The following is an entry in ClinVar:

NM_001923.5(DDB1):c.2662-3C>A

Gene: DDB1 (damage specific DNA binding protein 1; minus strand). Cytogenetic location: 11q12.2.
Variant type: single nucleotide variant.
Coding change: c.2662-3C>A on transcript NM_001923.5 (MANE Select); 3 bases into the intron before coding-DNA position 2662, C replaced by A.
Molecular consequence: intron variant.
Genome position (GRCh38, 1-based): chr11:61,304,038, G>T on the plus strand (C>A on the coding strand, the complement: DDB1 is on the minus strand). VCF-style: chr11-61304038-G-T. GRCh37 (hg19) VCF-style: chr11-61071510-G-T.
Identifiers: ClinVar variation 3036666 (VCV003036666.2), dbSNP rs368309331, ClinGen allele CA6032740.

ClinVar aggregate classification (germline): Likely benign (0 of 4 stars; one submission).

Conditions:
DDB1-related disorder. Also called: DDB1-related condition.

Allele frequency attached by ClinVar (database versions not stated): gnomAD 0.00001.
gnomAD v4.1: 37 of 1,613,708 alleles (0.0023%); highest among the groups gnomAD compares: African/African-American, 0.032%; no homozygotes.

Submission:

PreventionGenetics, part of Exact Sciences
Classification: Likely benign for DDB1-related condition. Last evaluated: 2023-07-03. Review status: no assertion criteria provided. Collection method: clinical testing. Allele origin: germline.
Comment: This variant is classified as likely benign based on ACMG/AMP sequence variant interpretation guidelines (Richards et al. 2015 PMID: 25741868, with internal and published modifications).